The following is an entry in ClinVar:

NM_001261826.3(AP3D1):c.2087C>A (p.Thr696Asn)

Gene: AP3D1 (adaptor related protein complex 3 subunit delta 1; minus strand). Cytogenetic location: 19p13.3.
Variant type: single nucleotide variant.
Coding change: c.2087C>A on transcript NM_001261826.3 (MANE Select); coding-DNA position 2087, C replaced by A.
Protein change: p.Thr696Asn; replaces threonine 696 with asparagine.
Molecular consequence: missense variant.
Genome position (GRCh38, 1-based): chr19:2,115,600, G>T on the plus strand (C>A on the coding strand, the complement: AP3D1 is on the minus strand). VCF-style: chr19-2115600-G-T. GRCh37 (hg19) VCF-style: chr19-2115599-G-T.
Other names: c.2087C>A, p.Thr696Asn (NM_001374799.1, NM_003938.8); short protein forms T696N.
Identifiers: ClinVar variation 3723537 (VCV003723537.2).
Genomic context (GRCh38, chr19:2,115,600, plus strand): 5'-GGAACCTTCAAGGGGACGGAGAGGTCAATCTGCACCACGGGAATGTGCTCCACGCCCGGG[G>T]TGTCCTGGTACCGCTGCAAAGGCAACACCCAGGCGTTACCGGTGCACCGAGGGGTGACAC-3'
Protein context (NP_001248755.1, residues 686-706): SPSPQKRYQD[Thr696Asn]PGVEHIPVVQ

ClinVar aggregate classification (germline): Uncertain significance (1 of 4 stars; one submission).

gnomAD v4.1: 1 of 1,612,912 alleles (0.000062%); no homozygotes.

Submission:

Labcorp Genetics (formerly Invitae), Labcorp
Classification: Uncertain significance. Last evaluated: 2024-11-18. Review status: criteria provided, single submitter. Criteria: Invitae Variant Classification Sherloc (09022015). Collection method: clinical testing. Allele origin: germline.
Comment: This sequence change replaces threonine, which is neutral and polar, with asparagine, which is neutral and polar, at codon 696 of the AP3D1 protein (p.Thr696Asn). This variant is not present in population databases (gnomAD no frequency). This variant has not been reported in the literature in individuals affected with AP3D1-related conditions. An algorithm developed to predict the effect of missense changes on protein structure and function (PolyPhen-2) suggests that this variant is likely to be tolerated. In summary, the available evidence is currently insufficient to determine the role of this variant in disease. Therefore, it has been classified as a Variant of Uncertain Significance.